The following is an entry in ClinVar:

NM_024642.5(GALNT12):c.315C>T (p.Ile105=)

Gene: GALNT12 (polypeptide N-acetylgalactosaminyltransferase 12; plus strand). Cytogenetic location: 9q22.33.
Variant type: single nucleotide variant.
Coding change: c.315C>T on transcript NM_024642.5 (MANE Select); coding-DNA position 315, C replaced by T.
Protein change: p.Ile105=; no amino-acid change (isoleucine 105 retained).
Molecular consequence: synonymous variant.
Genome position (GRCh38, 1-based): chr9:98,808,013, C>T. VCF-style: chr9-98808013-C-T. GRCh37 (hg19) VCF-style: chr9-101570295-C-T.
Identifiers: ClinVar variation 3518459 (VCV003518459.2).
Genomic context (GRCh38, chr9:98,808,013, plus strand): 5'-GCTGCAGGGCGAGGAGCTGCGGCTGCAGGAGGAGAGCGTGCGGCTGCACCAGATTAACAT[C>T]TACCTCAGCGACCGCATCTCACTGCACCGCCGCCTGCCCGAGCGCTGGAACCCGCTGTGA-3'
Protein context (NP_078918.3, residues 95-115): EESVRLHQIN[Ile105=]YLSDRISLHR

ClinVar aggregate classification (germline): Benign/Likely benign. Review status: criteria provided, multiple submitters, no conflicts (2 of 4 stars). 2 submissions from 2 submitters: Benign (1); Likely benign (1). Last evaluated 2026-04-23.

Conditions:
Colorectal cancer, susceptibility to, 1. Also called: COLORECTAL ADENOMA AND CANCER, SUSCEPTIBILITY TO; COLORECTAL CANCER, SUSCEPTIBILITY TO, ON CHROMOSOME 9. Identifiers: MedGen C1837315, MONDO:0012132, OMIM 608812.

Submissions (2):

Myriad Genetics, Inc.
Classification: Benign for Colorectal cancer, susceptibility to, 1. Last evaluated: 2026-04-23. Review status: criteria provided, single submitter. Criteria: Myriad Autosomal Dominant, Autosomal Recessive and X-Linked Classification Criteria (2023). Collection method: clinical testing. Allele origin: unknown.
Comment: This variant is considered benign. This variant is a silent/synonymous amino acid change and it is not expected to impact splicing.

Ambry Genetics
Classification: Likely benign. Last evaluated: 2024-09-12. Review status: criteria provided, single submitter. Criteria: Ambry Variant Classification Scheme 2023. Collection method: clinical testing. Allele origin: germline.